The following is an entry in ClinVar:

NM_144997.7(FLCN):c.1565C>G (p.Thr522Ser)

Gene: FLCN (folliculin; minus strand). Cytogenetic location: 17p11.2.
Variant type: single nucleotide variant.
Coding change: c.1565C>G on transcript NM_144997.7 (MANE Select); coding-DNA position 1565, C replaced by G.
Protein change: p.Thr522Ser; replaces threonine 522 with serine.
Molecular consequence: missense variant.
Genome position (GRCh38, 1-based): chr17:17,213,830, G>C on the plus strand (C>G on the coding strand, the complement: FLCN is on the minus strand). VCF-style: chr17-17213830-G-C. GRCh37 (hg19) VCF-style: chr17-17117144-G-C.
Other names: c.1619C>G, p.Thr540Ser (NM_001353229.2); c.1565C>G, p.Thr522Ser (NM_001353230.2, NM_001353231.2); short protein forms T540S, T522S.
Identifiers: ClinVar variation 937060 (VCV000937060.10), dbSNP rs1597574324, ClinGen allele CA398530476.

ClinVar aggregate classification (germline): Uncertain significance. Review status: criteria provided, multiple submitters, no conflicts (2 of 4 stars). 2 submissions from 2 submitters: Uncertain significance (2). Last evaluated 2025-08-04.

Conditions:
Birt-Hogg-Dube syndrome. Also called: Birt Hogg Dubé syndrome. Identifiers: Orphanet 122, MedGen C0346010, MONDO:0800444.
Hereditary cancer-predisposing syndrome. Also called: Tumor predisposition; Hereditary neoplastic syndrome; Neoplastic Syndromes, Hereditary; Hereditary Cancer Syndrome. Identifiers: Orphanet 140162, MedGen C0027672, MeSH D009386, MONDO:0015356.

Allele frequency attached by ClinVar (database versions not stated): gnomAD exomes below 0.00001; gnomAD 0.00001.
gnomAD v4.1: 4 of 1,614,056 alleles (0.00025%); highest among the groups gnomAD compares: Non-Finnish European, 0.00025%; no homozygotes.

Submissions (2):

Ambry Genetics
Classification: Uncertain significance for Hereditary cancer-predisposing syndrome. Last evaluated: 2025-08-04. Review status: criteria provided, single submitter. Criteria: Ambry Variant Classification Scheme 2023. Collection method: clinical testing. Allele origin: germline.

Labcorp Genetics (formerly Invitae), Labcorp
Classification: Uncertain significance for Birt-Hogg-Dube syndrome. Last evaluated: 2024-08-24. Review status: criteria provided, single submitter. Criteria: Invitae Variant Classification Sherloc (09022015). Collection method: clinical testing. Allele origin: germline.
Comment: This sequence change replaces threonine, which is neutral and polar, with serine, which is neutral and polar, at codon 522 of the FLCN protein (p.Thr522Ser). This variant is not present in population databases (gnomAD no frequency). This variant has not been reported in the literature in individuals affected with FLCN-related conditions. ClinVar contains an entry for this variant (Variation ID: 937060). Invitae Evidence Modeling of protein sequence and biophysical properties (such as structural, functional, and spatial information, amino acid conservation, physicochemical variation, residue mobility, and thermodynamic stability) indicates that this missense variant is not expected to disrupt FLCN protein function with a negative predictive value of 80%. In summary, the available evidence is currently insufficient to determine the role of this variant in disease. Therefore, it has been classified as a Variant of Uncertain Significance.